The following is an entry in ClinVar:

ClinVar aggregate classification (germline): Uncertain significance (1 of 4 stars; one submission).

Conditions:
Epileptic encephalopathy. Identifiers: MedGen C0543888, HP:0200134.

Allele frequency attached by ClinVar (database versions not stated): gnomAD 0.00001 and 0.00005; TOPMed 0.00003; gnomAD exomes 0.00005 and 0.00010; ExAC 0.00011; 1000 Genomes Project 30x 0.00016; 1000 Genomes Project 0.00020.

Submission:

Labcorp Genetics (formerly Invitae), Labcorp
Classification: Uncertain significance for Epileptic encephalopathy. Last evaluated: 2022-07-12. Review status: criteria provided, single submitter. Criteria: Invitae Variant Classification Sherloc (09022015). Collection method: clinical testing. Allele origin: germline.
Comment: In summary, the available evidence is currently insufficient to determine the role of this variant in disease. Therefore, it has been classified as a Variant of Uncertain Significance. Algorithms developed to predict the effect of missense changes on protein structure and function are either unavailable or do not agree on the potential impact of this missense change (SIFT: "Deleterious"; PolyPhen-2: "Probably Damaging"; Align-GVGD: "Class C0"). ClinVar contains an entry for this variant (Variation ID: 843777). This variant has not been reported in the literature in individuals affected with RYR3-related conditions. This variant is present in population databases (rs534756978, gnomAD 0.06%), and has an allele count higher than expected for a pathogenic variant. This sequence change replaces threonine, which is neutral and polar, with methionine, which is neutral and non-polar, at codon 235 of the RYR3 protein (p.Thr235Met).

NM_001036.6(RYR3):c.704C>T (p.Thr235Met)

Gene: RYR3 (ryanodine receptor 3; plus strand). Cytogenetic location: 15q14.
Variant type: single nucleotide variant.
Coding change: c.704C>T on transcript NM_001036.6 (MANE Select); coding-DNA position 704, C replaced by T.
Protein change: p.Thr235Met; replaces threonine 235 with methionine.
Molecular consequence: missense variant.
Genome position (GRCh38, 1-based): chr15:33,543,679, C>T. VCF-style: chr15-33543679-C-T. GRCh37 (hg19) VCF-style: chr15-33835880-C-T.
Other names: c.704C>T, p.Thr235Met (NM_001243996.4); short protein forms T235M.
Identifiers: ClinVar variation 843777 (VCV000843777.10), dbSNP rs534756978, ClinGen allele CA7457900.